The following is an entry in ClinVar:

ClinVar aggregate classification (germline): Uncertain significance. Review status: criteria provided, multiple submitters, no conflicts (2 of 4 stars). 2 submissions from 2 submitters: Uncertain significance (2). Last evaluated 2025-08-08.

Conditions:
Inborn genetic diseases. Identifiers: MedGen C0950123, MeSH D030342.

Allele frequency attached by ClinVar (database versions not stated): TOPMed below 0.00001.

Submissions (2):

Ambry Genetics
Classification: Uncertain significance for Inborn genetic diseases. Last evaluated: 2025-08-08. Review status: criteria provided, single submitter. Criteria: Ambry Variant Classification Scheme 2023. Collection method: clinical testing. Allele origin: germline.

Labcorp Genetics (formerly Invitae), Labcorp
Classification: Uncertain significance. Last evaluated: 2022-01-15. Review status: criteria provided, single submitter. Criteria: Invitae Variant Classification Sherloc (09022015). Collection method: clinical testing. Allele origin: germline.
Comment: This sequence change replaces phenylalanine, which is neutral and non-polar, with serine, which is neutral and polar, at codon 16 of the HPS6 protein (p.Phe16Ser). This variant is not present in population databases (gnomAD no frequency). This variant has not been reported in the literature in individuals affected with HPS6-related conditions. Algorithms developed to predict the effect of missense changes on protein structure and function are either unavailable or do not agree on the potential impact of this missense change (SIFT: "Deleterious"; PolyPhen-2: "Probably Damaging"; Align-GVGD: "Class C0"). In summary, the available evidence is currently insufficient to determine the role of this variant in disease. Therefore, it has been classified as a Variant of Uncertain Significance.

NM_024747.6(HPS6):c.47T>C (p.Phe16Ser)

Genes: HPS6 (HPS6 biogenesis of lysosomal organelles complex 2 subunit 3; plus strand), LOC130004578 (ATAC-STARR-seq lymphoblastoid silent region 2738; plus strand). Cytogenetic location: 10q24.32.
Variant type: single nucleotide variant.
Coding change: c.47T>C on transcript NM_024747.6 (MANE Select); coding-DNA position 47, T replaced by C.
Protein change: p.Phe16Ser; replaces phenylalanine 16 with serine.
Molecular consequence: missense variant.
Genome position (GRCh38, 1-based): chr10:102,065,521, T>C. VCF-style: chr10-102065521-T-C. GRCh37 (hg19) VCF-style: chr10-103825278-T-C.
Other names: short protein forms F16S.
Identifiers: ClinVar variation 2083194 (VCV002083194.2), dbSNP rs2067960760, ClinGen allele CA377853873.